The following is an entry in ClinVar:

ClinVar aggregate classification (germline): Uncertain significance. Review status: criteria provided, multiple submitters, no conflicts (2 of 4 stars). 2 submissions from 2 submitters: Uncertain significance (2). Last evaluated 2024-09-20.

Conditions:
Inborn genetic diseases. Identifiers: MedGen C0950123, MeSH D030342.

Allele frequency attached by ClinVar (database versions not stated): gnomAD exomes 0.00007; ExAC 0.00003.
gnomAD v4.1: 106 of 1,571,034 alleles (0.0067%); highest among the groups gnomAD compares: Non-Finnish European, 0.0085%; no homozygotes.

Submissions (2):

Ambry Genetics
Classification: Uncertain significance for Inborn genetic diseases. Last evaluated: 2024-09-20. Review status: criteria provided, single submitter. Criteria: Ambry Variant Classification Scheme 2023. Collection method: clinical testing. Allele origin: germline.

Labcorp Genetics (formerly Invitae), Labcorp
Classification: Uncertain significance. Last evaluated: 2021-09-01. Review status: criteria provided, single submitter. Criteria: Invitae Variant Classification Sherloc (09022015). Collection method: clinical testing. Allele origin: germline.
Comment: This sequence change replaces alanine with valine at codon 1076 of the OBSL1 protein (p.Ala1076Val). The alanine residue is weakly conserved and there is a small physicochemical difference between alanine and valine. This variant is present in population databases (rs773431840, ExAC 0.006%). This variant has not been reported in the literature in individuals affected with OBSL1-related conditions. Algorithms developed to predict the effect of missense changes on protein structure and function output the following: SIFT: "Tolerated"; PolyPhen-2: "Benign"; Align-GVGD: "Class C0". The valine amino acid residue is found in multiple mammalian species, which suggests that this missense change does not adversely affect protein function. In summary, the available evidence is currently insufficient to determine the role of this variant in disease. Therefore, it has been classified as a Variant of Uncertain Significance.

NM_015311.3(OBSL1):c.3227C>T (p.Ala1076Val)

Gene: OBSL1 (obscurin like cytoskeletal adaptor 1; minus strand). Cytogenetic location: 2q35.
Variant type: single nucleotide variant.
Coding change: c.3227C>T on transcript NM_015311.3 (MANE Select); coding-DNA position 3227, C replaced by T.
Protein change: p.Ala1076Val; replaces alanine 1076 with valine.
Molecular consequence: missense variant.
Genome position (GRCh38, 1-based): chr2:219,558,459, G>A on the plus strand (C>T on the coding strand, the complement: OBSL1 is on the minus strand). VCF-style: chr2-219558459-G-A. GRCh37 (hg19) VCF-style: chr2-220423181-G-A.
Other names: c.3227C>T, p.Ala1076Val (NM_001173431.2); c.3227C>T (NM_015311.2); short protein forms A1076V.
Identifiers: ClinVar variation 1409308 (VCV001409308.6), dbSNP rs773431840, ClinGen allele CA2130925.